The following is an entry in ClinVar:

NM_001365480.1(CCDC88A):c.4724G>A (p.Ser1575Asn)

Gene: CCDC88A (coiled-coil and HOOK domain protein 88A; minus strand). Cytogenetic location: 2p16.1.
Variant type: single nucleotide variant.
Coding change: c.4724G>A on transcript NM_001365480.1 (MANE Select); coding-DNA position 4724, G replaced by A.
Protein change: p.Ser1575Asn; replaces serine 1575 with asparagine.
Molecular consequence: missense variant.
Genome position (GRCh38, 1-based): chr2:55,301,226, C>T on the plus strand (G>A on the coding strand, the complement: CCDC88A is on the minus strand). VCF-style: chr2-55301226-C-T. GRCh37 (hg19) VCF-style: chr2-55528362-C-T.
Other names: c.4721G>A, p.Ser1574Asn (NM_001135597.2, NM_001254943.2); c.4640G>A, p.Ser1547Asn (NM_018084.5); short protein forms S1575N, S1547N, S1574N.
Identifiers: ClinVar variation 1988251 (VCV001988251.4), dbSNP rs1208352123, ClinGen allele CA346913458.

ClinVar aggregate classification (germline): Uncertain significance (1 of 4 stars; one submission).

Allele frequency attached by ClinVar (database versions not stated): gnomAD 0.00001; TOPMed 0.00001.
gnomAD v4.1: 2 of 1,595,268 alleles (0.00013%); highest among the groups gnomAD compares: Non-Finnish European, 0.00017%; no homozygotes.

Submission:

Labcorp Genetics (formerly Invitae), Labcorp
Classification: Uncertain significance. Last evaluated: 2024-08-19. Review status: criteria provided, single submitter. Criteria: Invitae Variant Classification Sherloc (09022015). Collection method: clinical testing. Allele origin: germline.
Comment: This sequence change replaces serine, which is neutral and polar, with asparagine, which is neutral and polar, at codon 1574 of the CCDC88A protein (p.Ser1574Asn). This variant is not present in population databases (gnomAD no frequency). This variant has not been reported in the literature in individuals affected with CCDC88A-related conditions. ClinVar contains an entry for this variant (Variation ID: 1988251). An algorithm developed to predict the effect of missense changes on protein structure and function (PolyPhen-2) suggests that this variant is likely to be disruptive. In summary, the available evidence is currently insufficient to determine the role of this variant in disease. Therefore, it has been classified as a Variant of Uncertain Significance.